The following is an entry in ClinVar:

NM_020338.4(ZMIZ1):c.3172G>A (p.Asp1058Asn)

Gene: ZMIZ1 (zinc finger MIZ-type containing 1; plus strand). Cytogenetic location: 10q22.3.
Variant type: single nucleotide variant.
Coding change: c.3172G>A on transcript NM_020338.4 (MANE Select); coding-DNA position 3172, G replaced by A.
Protein change: p.Asp1058Asn; replaces aspartic acid 1058 with asparagine.
Molecular consequence: missense variant.
Genome position (GRCh38, 1-based): chr10:79,312,717, G>A. VCF-style: chr10-79312717-G-A. GRCh37 (hg19) VCF-style: chr10-81072474-G-A.
Other names: short protein forms D1058N.
Identifiers: ClinVar variation 4747529 (VCV004747529.2).
Genomic context (GRCh38, chr10:79,312,717, plus strand): 5'-ACAAATCCTGACGAGCTCCTGTCTTATCTGGACCCCCCCGACCTGCCGAGCAATAGTAAC[G>A]ATGACCTCCTGTCTCTATTTGAGAACAACTGAGGGCCACCCGGTCGGGGCCATCCCTCCA-3'
Protein context (NP_065071.1, residues 1048-1067): DPPDLPSNSN[Asp1058Asn]DLLSLFENN

ClinVar aggregate classification (germline): Uncertain significance. Review status: criteria provided, multiple submitters, no conflicts (2 of 4 stars). 2 submissions from 2 submitters: Uncertain significance (2). Last evaluated 2025-11-18.

gnomAD v4.1: 2 of 1,614,164 alleles (0.00012%); highest among the groups gnomAD compares: Non-Finnish European, 0.00017%; no homozygotes.

Submissions (2):

Labcorp Genetics (formerly Invitae), Labcorp
Classification: Uncertain significance. Last evaluated: 2025-11-18. Review status: criteria provided, single submitter. Criteria: Invitae Variant Classification Sherloc (09022015). Collection method: clinical testing. Allele origin: germline.
Comment: This sequence change replaces aspartic acid, which is acidic and polar, with asparagine, which is neutral and polar, at codon 1058 of the ZMIZ1 protein (p.Asp1058Asn). This variant is not present in population databases (gnomAD no frequency). This variant has not been reported in the literature in individuals affected with ZMIZ1-related conditions. Invitae Evidence Modeling of protein sequence and biophysical properties (such as structural, functional, and spatial information, amino acid conservation, physicochemical variation, residue mobility, and thermodynamic stability) indicates that this missense variant is expected to disrupt ZMIZ1 protein function with a positive predictive value of 80%. In summary, the available evidence is currently insufficient to determine the role of this variant in disease. Therefore, it has been classified as a Variant of Uncertain Significance.

Blueprint Genetics
Classification: Uncertain significance. Last evaluated: 2023-03-21. Review status: criteria provided, single submitter. Criteria: ACMG Guidelines, 2015. Collection method: clinical testing. Allele origin: germline.